The following is an entry in ClinVar:

NM_001375524.1(TRRAP):c.5023C>T (p.Arg1675Ter)

Genes: TRRAP (transformation/transcription domain associated protein; plus strand), LOC126860121 (MED14-independent group 3 enhancer GRCh37_chr7:98547245-98548444; plus strand). Cytogenetic location: 7q22.1.
Variant type: single nucleotide variant.
Coding change: c.5023C>T on transcript NM_001375524.1 (MANE Select); coding-DNA position 5023, C replaced by T.
Protein change: p.Arg1675Ter; replaces arginine 1675 with a stop codon.
Molecular consequence: nonsense.
Genome position (GRCh38, 1-based): chr7:98,949,729, C>T. VCF-style: chr7-98949729-C-T. GRCh37 (hg19) VCF-style: chr7-98547352-C-T.
Other names: c.5002C>T, p.Arg1668Ter (NM_001244580.2); c.4948C>T, p.Arg1650Ter (NM_003496.4); short protein forms R1650*, R1668*, R1675*.
Identifiers: ClinVar variation 2498014 (VCV002498014.1), dbSNP rs149035665, ClinGen allele CA368313984.
Genomic context (GRCh38, chr7:98,949,729, plus strand): 5'-ATTATAGTGAAAAACGATGACTCCTGGCTGGCCAGCCAGCACTCTCTGGTGAGCCAGTTG[C>T]GACGTGTGTGGGTGAGTGAGAACTTCCAAGAGAGGCACCGCAAGGAGAACATGGCAGCCA-3'

ClinVar aggregate classification (germline): Uncertain significance (1 of 4 stars; one submission).

gnomAD v4.1: 2 of 1,613,868 alleles (0.00012%); highest among the groups gnomAD compares: Non-Finnish European, 0.00017%; no homozygotes.

Submission:

GeneDx
Classification: Uncertain significance. Last evaluated: 2022-10-05. Review status: criteria provided, single submitter. Criteria: GeneDx Variant Classification Process June 2021. Collection method: clinical testing. Allele origin: germline. Affected: yes.
Comment: Not observed at significant frequency in large population cohorts (gnomAD); Nonsense variant predicted to result in protein truncation or nonsense mediated decay in a gene or region of a gene for which loss of function is not a well-established mechanism of disease; Has not been previously published as pathogenic or benign to our knowledge